The following is an entry in ClinVar:

NM_022455.5(NSD1):c.4235T>G (p.Leu1412Arg)

Gene: NSD1 (nuclear receptor binding SET domain protein 1; plus strand). Cytogenetic location: 5q35.3.
Variant type: single nucleotide variant.
Coding change: c.4235T>G on transcript NM_022455.5 (MANE Select); coding-DNA position 4235, T replaced by G.
Protein change: p.Leu1412Arg; replaces leucine 1412 with arginine.
Molecular consequence: missense variant.
Genome position (GRCh38, 1-based): chr5:177,239,798, T>G. VCF-style: chr5-177239798-T-G. GRCh37 (hg19) VCF-style: chr5-176666799-T-G.
Other names: c.3362T>G, p.Leu1121Arg (NM_001365684.2, NM_001409306.1, NM_001409307.1 and 3 more transcripts); c.4235T>G, p.Leu1412Arg (NM_001409301.1, NM_001409302.1, NM_001409303.1); c.3815T>G, p.Leu1272Arg (NM_001409304.1); c.3482T>G, p.Leu1161Arg (NM_001409305.1); short protein forms L1121R, L1161R, L1272R, L1412R.
Identifiers: ClinVar variation 4690044 (VCV004690044.1).
Genomic context (GRCh38, chr5:177,239,798, plus strand): 5'-AAGATACATGCATTTCAGGAAATTATGAAAGTAAACGTCAAAGAAAACCAACTAAGAAAC[T>G]TCTTGAATCCAATGATTTAGACCCTGGATTTATGCCCAAGAAGGGGGACCTTGGCCTTTC-3'
Protein context (NP_071900.2, residues 1402-1422): SKRQRKPTKK[Leu1412Arg]LESNDLDPGF

ClinVar aggregate classification (germline): Uncertain significance (1 of 4 stars; one submission).

Submission:

GeneDx
Classification: Uncertain significance. Last evaluated: 2025-07-28. Review status: criteria provided, single submitter. Criteria: GeneDx Variant Classification Process June 2021. Collection method: clinical testing. Allele origin: germline. Affected: yes.
Comment: Not observed at significant frequency in large population cohorts (gnomAD); In silico analysis suggests that this missense variant does not alter protein structure/function; Has not been previously published as pathogenic or benign to our knowledge